The following is an entry in ClinVar:

NM_016306.6(DNAJB11):c.359C>A (p.Thr120Asn)

Gene: DNAJB11 (DnaJ heat shock protein family (Hsp40) member B11; plus strand). Cytogenetic location: 3q27.3.
Variant type: single nucleotide variant.
Coding change: c.359C>A on transcript NM_016306.6 (MANE Select); coding-DNA position 359, C replaced by A.
Protein change: p.Thr120Asn; replaces threonine 120 with asparagine.
Molecular consequence: missense variant. On other transcripts: non-coding transcript variant (5), intron variant (1).
Genome position (GRCh38, 1-based): chr3:186,577,703, C>A. VCF-style: chr3-186577703-C-A. GRCh37 (hg19) VCF-style: chr3-186295492-C-A.
Other names: c.323+1766C>A (NM_001378451.1); short protein forms T120N.
Identifiers: ClinVar variation 1355646 (VCV001355646.8), dbSNP rs1715347245, ClinGen allele CA355714171.

ClinVar aggregate classification (germline): Uncertain significance (1 of 4 stars; one submission).

Allele frequency attached by ClinVar (database versions not stated): TOPMed below 0.00001.

Submission:

Labcorp Genetics (formerly Invitae), Labcorp
Classification: Uncertain significance. Last evaluated: 2021-06-28. Review status: criteria provided, single submitter. Criteria: Invitae Variant Classification Sherloc (09022015). Collection method: clinical testing. Allele origin: germline.
Comment: This sequence change replaces threonine with asparagine at codon 120 of the DNAJB11 protein (p.Thr120Asn). The threonine residue is weakly conserved and there is a small physicochemical difference between threonine and asparagine. This variant is not present in population databases (ExAC no frequency). This variant has not been reported in the literature in individuals affected with DNAJB11-related conditions. Algorithms developed to predict the effect of missense changes on protein structure and function output the following: SIFT: "Tolerated"; PolyPhen-2: "Benign"; Align-GVGD: "Class C0". The asparagine amino acid residue is found in multiple mammalian species, which suggests that this missense change does not adversely affect protein function. In summary, the available evidence is currently insufficient to determine the role of this variant in disease. Therefore, it has been classified as a Variant of Uncertain Significance.